The following is an entry in ClinVar:

ClinVar aggregate classification (germline): Pathogenic (1 of 4 stars; one submission).

Conditions:
Cerebral creatine deficiency syndrome. Also called: Creatine deficiency syndromes. Identifiers: Orphanet 79172, MedGen C5244016, MONDO:0000456.

Submission:

Labcorp Genetics (formerly Invitae), Labcorp
Classification: Pathogenic for Cerebral creatine deficiency syndrome. Last evaluated: 2026-01-05. Review status: criteria provided, single submitter. Criteria: Invitae Variant Classification Sherloc (09022015). Collection method: clinical testing. Allele origin: germline.
Comment: This sequence change replaces tryptophan, which is neutral and slightly polar, with cysteine, which is neutral and slightly polar, at codon 20 of the GAMT protein (p.Trp20Cys). This variant is present in population databases (no rsID available, gnomAD 0.007%). This missense change has been observed in individual(s) with clinical features of guanidinoacetate methyltransferase deficiency (internal data). In at least one individual the data is consistent with being in trans (on the opposite chromosome) from a pathogenic variant. ClinVar contains an entry for this variant (Variation ID: 3719450). Invitae Evidence Modeling of protein sequence and biophysical properties (such as structural, functional, and spatial information, amino acid conservation, physicochemical variation, residue mobility, and thermodynamic stability) indicates that this missense variant is expected to disrupt GAMT protein function with a positive predictive value of 95%. This variant disrupts the p.Trp20 amino acid residue in GAMT. Other variant(s) that disrupt this residue have been determined to be pathogenic (PMID: 15108290, 15651030, 16855203, 17336114). This suggests that this residue is clinically significant, and that variants that disrupt this residue are likely to be disease-causing. For these reasons, this variant has been classified as Pathogenic.

Literature cited by the submitters: PubMed 15108290; PubMed 15651030; PubMed 16855203; PubMed 17336114.

NM_000156.6(GAMT):c.60G>C (p.Trp20Cys)

Genes: GAMT (guanidinoacetate N-methyltransferase; minus strand), LOC130062945 (ATAC-STARR-seq lymphoblastoid silent region 9707; plus strand). Cytogenetic location: 19p13.3.
Variant type: single nucleotide variant.
Coding change: c.60G>C on transcript NM_000156.6 (MANE Select); coding-DNA position 60, G replaced by C.
Protein change: p.Trp20Cys; replaces tryptophan 20 with cysteine.
Molecular consequence: missense variant.
Genome position (GRCh38, 1-based): chr19:1,401,417, C>G on the plus strand (G>C on the coding strand, the complement: GAMT is on the minus strand). VCF-style: chr19-1401417-C-G. GRCh37 (hg19) VCF-style: chr19-1401416-C-G.
Other names: c.60G>C, p.Trp20Cys (NM_138924.3); short protein forms W20C.
Identifiers: ClinVar variation 3719450 (VCV003719450.2).